The following is an entry in ClinVar:

ClinVar aggregate classification (germline): Conflicting classifications of pathogenicity. Review status: criteria provided, conflicting classifications (1 of 4 stars). 4 submissions from 4 submitters: Pathogenic (1); Likely pathogenic (2); Uncertain significance (1). Last evaluated 2024-02-29.

Conditions:
Bartter disease type 2. Also called: HYPERPROSTAGLANDIN E SYNDROME 2; HYPOKALEMIC ALKALOSIS WITH HYPERCALCIURIA 2, ANTENATAL; Bartter syndrome, type 2, antenatal. Identifiers: Orphanet 112, Orphanet 620220, MedGen C1855849, MONDO:0009424, OMIM 241200.

Submissions (4):

Fulgent Genetics
Classification: Likely pathogenic for Bartter disease type 2. Last evaluated: 2024-02-29. Review status: criteria provided, single submitter. Criteria: ACMG Guidelines, 2015. Collection method: clinical testing. Allele origin: germline.

Labcorp Genetics (formerly Invitae), Labcorp
Classification: Pathogenic. Last evaluated: 2023-04-28. Review status: criteria provided, single submitter. Criteria: Invitae Variant Classification Sherloc (09022015). Collection method: clinical testing. Allele origin: germline.
Comment: This sequence change creates a premature translational stop signal (p.Lys187Asnfs*13) in the KCNJ1 gene. While this is not anticipated to result in nonsense mediated decay, it is expected to disrupt the last 205 amino acid(s) of the KCNJ1 protein. For these reasons, this variant has been classified as Pathogenic. This variant disrupts a region of the KCNJ1 protein in which other variant(s) (p.His354Serfs*8) have been determined to be pathogenic (PMID: 11318951). This suggests that this is a clinically significant region of the protein, and that variants that disrupt it are likely to be disease-causing. ClinVar contains an entry for this variant (Variation ID: 694393). This variant has not been reported in the literature in individuals affected with KCNJ1-related conditions. This variant is not present in population databases (gnomAD no frequency).

Diagnostics Services (NGS), CSIR - Centre For Cellular And Molecular Biology
Classification: Likely pathogenic for Bartter disease type 2. Last evaluated: 2019-09-19. Review status: criteria provided, single submitter. Criteria: ACMG Guidelines, 2015. Collection method: clinical testing. Allele origin: germline. Inheritance: Autosomal recessive inheritance. Affected: yes. Observed: 1 homozygote.

Juno Genomics, Hangzhou Juno Genomics, Inc
Classification: Uncertain significance for Bartter disease type 2. Review status: criteria provided, single submitter. Criteria: ACMG Guidelines, 2015. Collection method: clinical testing. Allele origin: germline.
Comment: Null variant in a gene where loss of function (LOF) is a known mechanism of disease.;Absent from controls (or at extremely low frequency if recessive) in Genome Aggregation Database.

Literature cited by the submitters: PubMed 11318951 (cited by Labcorp Genetics (formerly Invitae), Labcorp).

NM_153766.3(KCNJ1):c.504del (p.Lys168fs)

Gene: KCNJ1 (potassium inwardly rectifying channel subfamily J member 1; minus strand). Cytogenetic location: 11q24.3.
Variant type: Deletion.
Coding change: c.504del on transcript NM_153766.3 (MANE Select); coding-DNA position 504, one base deleted (A; older notation c.504delA).
Protein change: p.Lys168fs; shifts the reading frame from lysine 168.
Molecular consequence: frameshift variant.
Genome position (GRCh38, 1-based): chr11:128,839,740, T deleted on the plus strand (A on the coding strand, the reverse complement: KCNJ1 is on the minus strand); the first of 6 consecutive T bases (chr11:128,839,740-128,839,745); deleting any one gives the same sequence. VCF-style (leftmost placement, unchanged base first): chr11-128839739-GT-G. GRCh37 (hg19) VCF-style: chr11-128709634-GT-G.
Other names: c.504del, p.Lys168fs (NM_153767.4, NM_153764.3); c.555delA (NM_153765.2); c.561del, p.Lys187fs (NM_000220.6); c.555del, p.Lys185fs (NM_153765.3); short protein forms K168fs, K185fs, K187fs.
Identifiers: ClinVar variation 694393 (VCV000694393.11), dbSNP rs769554073, ClinGen allele CA673266863.